The following is an entry in ClinVar:

NM_004006.3(DMD):c.7098+3A>T

Gene: DMD (dystrophin; minus strand). Cytogenetic location: Xp21.1.
Variant type: single nucleotide variant.
Coding change: c.7098+3A>T on transcript NM_004006.3 (MANE Select); 3 bases into the intron after coding-DNA position 7098, A replaced by T.
Molecular consequence: intron variant.
Genome position (GRCh38, 1-based): chrX:31,875,185, T>A on the plus strand (A>T on the coding strand, the complement: DMD is on the minus strand). VCF-style: chrX-31875185-T-A. GRCh37 (hg19) VCF-style: chrX-31893302-T-A.
Other names: c.7074+3A>T (NM_000109.4); c.3075+3A>T (NM_004011.4); c.3066+3A>T (NM_004012.4); c.-283+3A>T (NM_004023.3, NM_004020.4, NM_004022.3 and 2 more transcripts); c.7086+3A>T (NM_004009.3); c.6729+3A>T (NM_004010.3).
Identifiers: ClinVar variation 526080 (VCV000526080.8), dbSNP rs1556962217, ClinGen allele CA658799671.

ClinVar aggregate classification (germline): Uncertain significance. Review status: criteria provided, multiple submitters, no conflicts (2 of 4 stars). 2 submissions from 2 submitters: Uncertain significance (2). Last evaluated 2025-03-26.

Conditions:
Cardiovascular phenotype. Identifiers: MedGen CN230736.
Duchenne muscular dystrophy (DMD). Also called: Duchenne Muscular Dystrophy (DMD); MUSCULAR DYSTROPHY, PSEUDOHYPERTROPHIC PROGRESSIVE, DUCHENNE TYPE. Identifiers: Orphanet 98896, MedGen C0013264, MONDO:0010679, OMIM 310200.

Allele frequency attached by ClinVar (database versions not stated): gnomAD exomes below 0.00001.
gnomAD v4.1: 1 of 1,202,089 alleles (0.000083%); highest among the groups gnomAD compares: African/African-American, 0.0017%; no homozygotes.

Submissions (2):

Ambry Genetics
Classification: Uncertain significance for Cardiovascular phenotype. Last evaluated: 2025-03-26. Review status: criteria provided, single submitter. Criteria: Ambry Variant Classification Scheme 2023. Collection method: clinical testing. Allele origin: germline.
Comment: The c.7098+3A>T intronic variant results from an A to T substitution 3 nucleotides after coding exon 48 in the DMD gene. This nucleotide position is well conserved in available vertebrate species. In silico splice site analysis predicts that this alteration will not have any significant effect on splicing. Based on the available evidence, the clinical significance of this variant remains unclear.

Labcorp Genetics (formerly Invitae), Labcorp
Classification: Uncertain significance for Duchenne muscular dystrophy. Last evaluated: 2020-10-28. Review status: criteria provided, single submitter. Criteria: Invitae Variant Classification Sherloc (09022015). Collection method: clinical testing. Allele origin: germline.
Comment: This variant has not been reported in the literature in individuals with DMD-related disease. In summary, the available evidence is currently insufficient to determine the role of this variant in disease. Therefore, it has been classified as a Variant of Uncertain Significance. Nucleotide substitutions within the consensus splice site are a relatively common cause of aberrant splicing (PMID: 17576681, 9536098). Algorithms developed to predict the effect of sequence changes on RNA splicing suggest that this variant may disrupt the consensus splice site, but this prediction has not been confirmed by published transcriptional studies. This variant is not present in population databases (ExAC no frequency). This sequence change falls in intron 48 of the DMD gene. It does not directly change the encoded amino acid sequence of the DMD protein, but it affects a nucleotide within the consensus splice site of the intron.

Literature cited by the submitters: PubMed 17576681 (cited by Labcorp Genetics (formerly Invitae), Labcorp); PubMed 9536098 (cited by Labcorp Genetics (formerly Invitae), Labcorp).